The following is an entry in ClinVar:

NM_000124.4(ERCC6):c.2741C>T (p.Thr914Met)

Genes: ERCC6 (ERCC excision repair 6, chromatin remodeling factor; minus strand), LOC126860933 (BRD4-independent group 4 enhancer GRCh37_chr10:50679962-50681161; plus strand). Cytogenetic location: 10q11.23.
Variant type: single nucleotide variant.
Coding change: c.2741C>T on transcript NM_000124.4 (MANE Select); coding-DNA position 2741, C replaced by T.
Protein change: p.Thr914Met; replaces threonine 914 with methionine.
Molecular consequence: missense variant.
Genome position (GRCh38, 1-based): chr10:49,472,997, G>A on the plus strand (C>T on the coding strand, the complement: ERCC6 is on the minus strand). VCF-style: chr10-49472997-G-A. GRCh37 (hg19) VCF-style: chr10-50681043-G-A.
Other names: c.2741C>T, p.Thr914Met (NM_001346440.2); short protein forms T914M.
Identifiers: ClinVar variation 300059 (VCV000300059.44), dbSNP rs142580756, ClinGen allele CA5495546.

ClinVar aggregate classification (germline): Conflicting classifications of pathogenicity. Review status: criteria provided, conflicting classifications (1 of 4 stars). 10 submissions from 8 submitters: Uncertain significance (7); Likely benign (2). 1 of the submissions does not count toward it. Last evaluated 2026-01-31.

Conditions:
ERCC6-related disorder. Also called: ERCC6-related condition; ERCC6-related disorders. Identifiers: MedGen CN239385.
DE SANCTIS-CACCHIONE SYNDROME. Identifiers: MedGen C0265201, MONDO:0010217, OMIM 278800.
Premature ovarian failure 11 (POF11). Identifiers: MedGen C4310783, MONDO:0014843, OMIM 616946.
Lung cancer. Also called: Lung cancer, somatic; Malignant tumor of lung. Identifiers: MedGen C0242379, MONDO:0008903, OMIM 211980.
UV-sensitive syndrome 1 (UVSS1). Identifiers: Orphanet 178338, MedGen C3551173, MONDO:0010909, OMIM 600630.
Cockayne syndrome type 2 (CSB). Also called: COCKAYNE SYNDROME B; Cockayne Syndrome, Type II. Identifiers: Orphanet 191, Orphanet 90322, MedGen C0751038, MONDO:0019570, OMIM 133540.
Cerebrooculofacioskeletal syndrome 1 (COFS1). Also called: Cerebro-oculo-facio-skeletal syndrome 1. Identifiers: MedGen C0220722, MONDO:0008955, OMIM 214150.
Age related macular degeneration 5. Identifiers: MedGen C3151063, MONDO:0013409, OMIM 613761.

Allele frequency attached by ClinVar (database versions not stated): TOPMed 0.00049; gnomAD 0.00050 and 0.00052; ESP Exome Variant Server 0.00100.
gnomAD v4.1: 1,163 of 1,613,962 alleles (0.072%); highest among the groups gnomAD compares: Non-Finnish European, 0.09%; 1 homozygote.

Submissions (10):

Labcorp Genetics (formerly Invitae), Labcorp
Classification: Likely benign. Last evaluated: 2026-01-31. Review status: criteria provided, single submitter. Criteria: Invitae Variant Classification Sherloc (09022015). Collection method: clinical testing. Allele origin: germline.

GeneDx
Classification: Uncertain significance. Last evaluated: 2025-04-21. Review status: criteria provided, single submitter. Criteria: GeneDx Variant Classification Process June 2021. Collection method: clinical testing. Allele origin: germline. Affected: yes.
Comment: In silico analysis supports that this missense variant has a deleterious effect on protein structure/function; This variant is associated with the following publications: (PMID: 36031433)

Blueprint Genetics
Classification: Uncertain significance. Last evaluated: 2024-04-05. Review status: criteria provided, single submitter. Criteria: ACMG Guidelines, 2015. Collection method: clinical testing. Allele origin: germline.

CeGaT Center for Human Genetics Tuebingen
Classification: Uncertain significance. Last evaluated: 2024-02-01. Review status: criteria provided, single submitter. Criteria: CeGaT Center For Human Genetics Tuebingen Variant Classification Criteria Version 2. Collection method: clinical testing. Allele origin: germline. Affected: yes. Observed: 1 variant allele.
Comment: ERCC6: PP3

Department of Pathology and Laboratory Medicine, Sinai Health System
Classification: Uncertain significance for Cockayne syndrome type 2; Lung cancer; Cerebrooculofacioskeletal syndrome 1; DE SANCTIS-CACCHIONE SYNDROME; UV-sensitive syndrome 1; Premature ovarian failure 11. Last evaluated: 2020-07-13. Review status: criteria provided, single submitter. Criteria: ACMG Guidelines, 2015. Collection method: research. Allele origin: germline.

ARUP Laboratories, Molecular Genetics and Genomics, ARUP Laboratories
Classification: Uncertain significance. Last evaluated: 2020-07-04. Review status: criteria provided, single submitter. Criteria: ARUP Molecular Germline Variant Investigation Process. Collection method: clinical testing. Allele origin: germline.

Illumina Laboratory Services, Illumina
Classification: Uncertain significance for Cerebrooculofacioskeletal syndrome 1. Last evaluated: 2018-01-13. Review status: criteria provided, single submitter. Criteria: ICSL Variant Classification Criteria 13 December 2019. Collection method: clinical testing. Allele origin: germline.

Illumina Laboratory Services, Illumina
Classification: Uncertain significance for Cockayne syndrome type 2. Last evaluated: 2018-01-13. Review status: criteria provided, single submitter. Criteria: ICSL Variant Classification Criteria 13 December 2019. Collection method: clinical testing. Allele origin: germline.

Illumina Laboratory Services, Illumina
Classification: Likely benign for Age related macular degeneration 5. Last evaluated: 2018-01-13. Review status: criteria provided, single submitter. Criteria: ICSL Variant Classification Criteria 13 December 2019. Collection method: clinical testing. Allele origin: germline.
Comment: This variant was observed in the ICSL laboratory as part of a predisposition screen in an ostensibly healthy population. It had not been previously curated by ICSL or reported in the Human Gene Mutation Database (HGMD: prior to June 1st, 2018), and was therefore a candidate for classification through an automated scoring system. Utilizing variant allele frequency, disease prevalence and penetrance estimates, and inheritance mode, an automated score was calculated to assess if this variant is too frequent to cause the disease. Based on the score and internal cut-off values, a variant classified as likely benign is not then subjected to further curation. The score for this variant resulted in a classification of likely benign for this disease.

PreventionGenetics, part of Exact Sciences
Classification: Uncertain significance for ERCC6-related condition. Last evaluated: 2024-05-07. Review status: no assertion criteria provided. Collection method: clinical testing. Allele origin: germline. Not counted in ClinVar's aggregate classification.
Comment: The ERCC6 c.2741C>T variant is predicted to result in the amino acid substitution p.Thr914Met. To our knowledge, this variant has not been reported in the literature. This variant is reported in 0.092% of alleles in individuals of European (Non-Finnish) descent in gnomAD. At this time, the clinical significance of this variant is uncertain due to the absence of conclusive functional and genetic evidence.